The following is an entry in ClinVar:

ClinVar aggregate classification (germline): Uncertain significance (1 of 4 stars; one submission).

gnomAD v4.1: 1 of 1,601,390 alleles (0.000062%); highest among the groups gnomAD compares: Non-Finnish European, 0.000086%; no homozygotes.

Submission:

Ambry Genetics
Classification: Uncertain significance. Last evaluated: 2023-10-08. Review status: criteria provided, single submitter. Criteria: Ambry Variant Classification Scheme 2023. Collection method: clinical testing. Allele origin: germline.
Comment: The p.M220I variant (also known as c.660G>C), located in coding exon 5 of the POLQ gene, results from a G to C substitution at nucleotide position 660. The methionine at codon 220 is replaced by isoleucine, an amino acid with highly similar properties. This amino acid position is conserved. In addition, the in silico prediction for this alteration is inconclusive. Since supporting evidence is limited at this time, the clinical significance of this alteration remains unclear.

NM_199420.4(POLQ):c.660G>C (p.Met220Ile)

Gene: POLQ (DNA polymerase theta; minus strand). Cytogenetic location: 3q13.33.
Variant type: single nucleotide variant.
Coding change: c.660G>C on transcript NM_199420.4 (MANE Select); coding-DNA position 660, G replaced by C.
Protein change: p.Met220Ile; replaces methionine 220 with isoleucine.
Molecular consequence: missense variant.
Genome position (GRCh38, 1-based): chr3:121,537,180, C>G on the plus strand (G>C on the coding strand, the complement: POLQ is on the minus strand). VCF-style: chr3-121537180-C-G. GRCh37 (hg19) VCF-style: chr3-121256027-C-G.
Other names: short protein forms M220I.
Identifiers: ClinVar variation 1754466 (VCV001754466.2), dbSNP rs753313654, ClinGen allele CA354090709.